The following is an entry in ClinVar:

ClinVar aggregate classification (germline): Uncertain significance (1 of 4 stars; one submission).

Conditions:
Inborn genetic diseases. Identifiers: MedGen C0950123, MeSH D030342.

Submission:

Ambry Genetics
Classification: Uncertain significance for Inborn genetic diseases. Last evaluated: 2026-06-02. Review status: criteria provided, single submitter. Criteria: Ambry Variant Classification Scheme 2023. Collection method: clinical testing. Allele origin: germline.
Comment: The p.F245S variant (also known as c.734T>C), located in coding exon 7 of the CEP57 gene, results from a T to C substitution at nucleotide position 734. The phenylalanine at codon 245 is replaced by serine, an amino acid with highly dissimilar properties. This amino acid position is conserved. In addition, this alteration is predicted to be tolerated by in silico analysis. Based on the available evidence, the clinical significance of this variant remains unclear.

NM_014679.5(CEP57):c.734T>C (p.Phe245Ser)

Gene: CEP57 (centrosomal protein 57; plus strand). Cytogenetic location: 11q21.
Variant type: single nucleotide variant.
Coding change: c.734T>C on transcript NM_014679.5 (MANE Select); coding-DNA position 734, T replaced by C.
Protein change: p.Phe245Ser; replaces phenylalanine 245 with serine.
Molecular consequence: missense variant. On other transcripts: intron variant (5).
Genome position (GRCh38, 1-based): chr11:95,821,905, T>C. VCF-style: chr11-95821905-T-C. GRCh37 (hg19) VCF-style: chr11-95555069-T-C.
Other names: c.653T>C, p.Phe218Ser (NM_001363604.2, NM_001440869.1, NM_001440870.1); c.617T>C, p.Phe206Ser (NM_001440872.1, NM_001440876.1); c.554T>C, p.Phe185Ser (NM_001440873.1); c.536T>C, p.Phe179Ser (NM_001440877.1, NM_001440878.1); c.473T>C, p.Phe158Ser (NM_001440880.1); c.437T>C, p.Phe146Ser (NM_001440881.1); c.700-594T>C (NM_001440871.1); c.699+3001T>C (NM_001440874.1); and 5 more; short protein forms F146S, F158S, F179S, F185S, F206S, F218S, F236S, F245S.
Identifiers: ClinVar variation 4868781 (VCV004868781.1).